The following is an entry in ClinVar:

NM_001201427.2(DAAM2):c.2258A>G (p.Asp753Gly)

Genes: DAAM2 (dishevelled associated activator of morphogenesis 2; plus strand), DAAM2-AS1 (DAAM2 antisense RNA 1; minus strand). Cytogenetic location: 6p21.2.
Variant type: single nucleotide variant.
Coding change: c.2258A>G on transcript NM_001201427.2 (MANE Select); coding-DNA position 2258, A replaced by G.
Protein change: p.Asp753Gly; replaces aspartic acid 753 with glycine.
Molecular consequence: missense variant. On other transcripts: non-coding transcript variant (1).
Genome position (GRCh38, 1-based): chr6:39,891,639, A>G. VCF-style: chr6-39891639-A-G. GRCh37 (hg19) VCF-style: chr6-39859415-A-G.
Other names: c.2258A>G, p.Asp753Gly (NM_015345.4); short protein forms D753G.
Identifiers: ClinVar variation 3044201 (VCV003044201.2), dbSNP rs200287086, ClinGen allele CA3795242.

ClinVar aggregate classification (germline): Likely benign (0 of 4 stars; one submission).

Conditions:
DAAM2-related disorder. Also called: DAAM2-related condition.

Allele frequency attached by ClinVar (database versions not stated): 1000 Genomes Project 30x 0.00016; 1000 Genomes Project 0.00020; TOPMed 0.00126; gnomAD 0.00136; ESP Exome Variant Server 0.00145; ExAC 0.00167; gnomAD exomes 0.00282.
gnomAD v4.1: 4,237 of 1,611,084 alleles (0.26%); highest among the groups gnomAD compares: Non-Finnish European, 0.34%; 9 homozygotes.

Submission:

PreventionGenetics, part of Exact Sciences
Classification: Likely benign for DAAM2-related condition. Last evaluated: 2022-04-20. Review status: no assertion criteria provided. Collection method: clinical testing. Allele origin: germline.
Comment: This variant is classified as likely benign based on ACMG/AMP sequence variant interpretation guidelines (Richards et al. 2015 PMID: 25741868, with internal and published modifications).